The following is an entry in ClinVar:

ClinVar aggregate classification (germline): Pathogenic. Review status: reviewed by expert panel (3 of 4 stars). 5 submissions from 5 submitters: Pathogenic (1). 4 of the submissions do not count toward it. Last evaluated 2024-10-25.

Conditions:
Alpha-actinopathy. Also called: Actinopathy. Identifiers: MedGen CN295279, MONDO:0100084.
Congenital myopathy 2c, severe infantile, autosomal dominant (CMYO2C). Identifiers: MedGen C5830333, MONDO:0859523, OMIM 620278.
Progressive scapulohumeroperoneal distal myopathy. Also called: Myopathy, scapulohumeroperoneal. Identifiers: Orphanet 447977, MedGen C4225181, MONDO:0014800, OMIM 616852.
Actin accumulation myopathy (CMYO2A). Also called: CONGENITAL MYOPATHY 2A, TYPICAL, AUTOSOMAL DOMINANT; Nemaline myopathy type 3; Myopathy, actin, congenital, with excess of thin myofilaments; Myopathy, actin, congenital, with cores; Nemaline myopathy 3, with intranuclear rods. Identifiers: Orphanet 98904, MedGen C3711389, MONDO:0008070, OMIM 161800.
Congenital myopathy with fiber type disproportion. Also called: Congenital fiber-type disproportion; Congenital fiber-type disproportion myopathy. Identifiers: Orphanet 2020, MedGen C0546264, MONDO:0009711. Inheritance: all.

Submissions (5):

ClinGen Congenital Myopathies Variant Curation Expert Panel, ClinGen
Classification: Pathogenic for Alpha-actinopathy. Last evaluated: 2024-10-25. Review status: reviewed by expert panel. Criteria: ClinGen CongenMyopathy ACMG Specifications ACTA1_AD_ V2.0.0. Collection method: curation. Allele origin: germline. Inheritance: Autosomal dominant inheritance.
Comment: The c.1000C>T (NM_001100.4(ACTA1):c.1000C>T (p.Pro334Ser)) variant in ACTA1 is a missense variant predicted to cause substitution of proline by serine at amino acid 334 (p.Pro334Ser). This variant is absent from gnomAD v4.1.0 (PM2_Supporting). ACTA1, in which the variant was identified, is defined by the ClinGen Congenital Myopathies VCEP as a gene that has a low rate of benign missense variation and where pathogenic missense variants are a common mechanism of disease (PP2). The computational predictor REVEL gives a score of 0.919, which is above the threshold of 0.7, evidence that correlates with impact to ACTA1 function (PP3). 2 different missense variants, [p.Pro334Leu, (VCV000532770); p.Pro334Arg, (VCV001031829)], in the same codon have been classified as likely pathogenic for autosomal dominant alpha-actinopathy by the ClinGen Congenital Myopathies VCEP (PM5). One patient with the p.Pro334Ser variant displayed fiber type disproportion, which is highly specific for alpha-actinopathy (PP4, PMID: 15468086 & University of Western Australia internal data). Localization analysis of the mutant in myotubes showed no incorporation into nascent sarcomeres. Analysis in fibroblasts showed diffuse cytoplasmic myc-actin staining (PMID: 19206168; PS3). In summary, this variant meets the criteria to be classified as pathogenic for autosomal dominant alpha-actinopathy based on the ACMG/AMP criteria applied, as specified by the ClinGen Congenital Myopathies VCEP: PM2_supporting, PP2, PP3, PM5, PP4, PS3 (ClinGen Congenital Myopathies VCEP Specifications Version 2.0; 10/25/24).

Labcorp Genetics (formerly Invitae), Labcorp
Classification: Likely pathogenic for Actin accumulation myopathy. Last evaluated: 2022-07-06. Review status: criteria provided, single submitter. Criteria: Invitae Variant Classification Sherloc (09022015). Collection method: clinical testing. Allele origin: germline. Not counted in ClinVar's aggregate classification.
Comment: This sequence change replaces proline, which is neutral and non-polar, with serine, which is neutral and polar, at codon 334 of the ACTA1 protein (p.Pro334Ser). This variant is not present in population databases (gnomAD no frequency). This missense change has been observed in individual(s) with autosomal dominant congenital fiber type disproportion (PMID: 15468086). This variant is also known as p.Pro332Ser. ClinVar contains an entry for this variant (Variation ID: 18291). Advanced modeling of protein sequence and biophysical properties (such as structural, functional, and spatial information, amino acid conservation, physicochemical variation, residue mobility, and thermodynamic stability) performed at Invitae indicates that this missense variant is expected to disrupt ACTA1 protein function. Experimental studies have shown that this missense change affects ACTA1 function (PMID: 19206168). This variant disrupts the p.Pro334 amino acid residue in ACTA1. Other variant(s) that disrupt this residue have been determined to be pathogenic (Invitae). This suggests that this residue is clinically significant, and that variants that disrupt this residue are likely to be disease-causing. In summary, the currently available evidence indicates that the variant is pathogenic, but additional data are needed to prove that conclusively. Therefore, this variant has been classified as Likely Pathogenic.

Solve-RD Consortium
Classification: Likely pathogenic for Progressive scapulohumeroperoneal distal myopathy. Last evaluated: 2022-06-01. Review status: no assertion criteria provided. Collection method: provider interpretation. Allele origin: inherited. Affected: yes. Not counted in ClinVar's aggregate classification.
Comment: Variant confirmed as disease-causing by referring clinical team

Variant identified during reanalysis of unsolved cases by the Solve-RD project. The Solve-RD project has received funding from the European Union’s Horizon 2020 research and innovation programme under grant agreement No 779257.

OMIM
Classification: Pathogenic for CONGENITAL MYOPATHY 2C, SEVERE INFANTILE, AUTOSOMAL DOMINANT. Last evaluated: 2004-11-01. Review status: no assertion criteria provided. Collection method: literature only. Allele origin: germline. Not counted in ClinVar's aggregate classification.

GeneReviews
No classification provided. Condition: Congenital myopathy with fiber type disproportion. Review status: no classification provided. Collection method: literature only. Allele origin: unknown. Not counted in ClinVar's aggregate classification.

Literature cited by the submitters: PubMed 19206168 (cited by ClinGen Congenital Myopathies Variant Curation Expert Panel, ClinGen and Labcorp Genetics (formerly Invitae), Labcorp); PubMed 15468086 (cited by 3 submitters); PubMed 39825153 (cited by Solve-RD Consortium); PubMed 20301436 (cited by GeneReviews); NCBI Bookshelf NBK1259 (cited by GeneReviews).

NM_001100.4(ACTA1):c.1000C>T (p.Pro334Ser)

Gene: ACTA1 (actin alpha 1, skeletal muscle; minus strand). Cytogenetic location: 1q42.13.
Variant type: single nucleotide variant.
Coding change: c.1000C>T on transcript NM_001100.4 (MANE Select); coding-DNA position 1000, C replaced by T.
Protein change: p.Pro334Ser; replaces proline 334 with serine.
Molecular consequence: missense variant.
Genome position (GRCh38, 1-based): chr1:229,431,633, G>A on the plus strand (C>T on the coding strand, the complement: ACTA1 is on the minus strand). VCF-style: chr1-229431633-G-A. GRCh37 (hg19) VCF-style: chr1-229567380-G-A.
Other names: P332S; NM_001100.4(ACTA1):c.1000C>T; short protein forms P334S.
Identifiers: ClinVar variation 18291 (VCV000018291.13), dbSNP rs121909531, ClinGen allele CA341499.